The following is an entry in ClinVar:

ClinVar aggregate classification (germline): Uncertain significance (1 of 4 stars; one submission).

Conditions:
Malignant hyperthermia, susceptibility to, 5 (MHS5). Also called: CACNA1S-Related Malignant Hyperthermia Susceptibility. Identifiers: Orphanet 423, MedGen C1866077, MONDO:0011163, OMIM 601887.

Allele frequency attached by ClinVar (database versions not stated): gnomAD exomes below 0.00001.

Submission:

All of Us Research Program, National Institutes of Health
Classification: Uncertain significance for Malignant hyperthermia, susceptibility to, 5. Last evaluated: 2023-09-17. Review status: criteria provided, single submitter. Criteria: ACMG Guidelines, 2015. Collection method: clinical testing. Allele origin: germline. Inheritance: Autosomal dominant inheritance. Observed: 3 variant alleles, 3 heterozygotes.
Comment: This missense variant replaces asparagine with serine at codon 455 of the CACNA1S protein. Computational prediction suggests that this variant may not impact protein structure and function (internally defined REVEL score threshold <= 0.5, PMID: 27666373). To our knowledge, functional studies have not been reported for this variant. This variant has not been reported in individuals affected with CACNA1S-related disorders in the literature. This variant has not been identified in the general population by the Genome Aggregation Database (gnomAD). The available evidence is insufficient to determine the role of this variant in disease conclusively. Therefore, this variant is classified as a Variant of Uncertain Significance.

This study involves interpretation of variants in research participants for the purpose of population health screening. Participant phenotype was not available at the time of variant classification. Additional details can be found in publication PMID: 35346344, PMCID: PMC8962531

NM_000069.3(CACNA1S):c.1364A>G (p.Asn455Ser)

Gene: CACNA1S (calcium voltage-gated channel subunit alpha1 S; minus strand). Cytogenetic location: 1q32.1.
Variant type: single nucleotide variant.
Coding change: c.1364A>G on transcript NM_000069.3 (MANE Select); coding-DNA position 1364, A replaced by G.
Protein change: p.Asn455Ser; replaces asparagine 455 with serine.
Molecular consequence: missense variant.
Genome position (GRCh38, 1-based): chr1:201,083,191, T>C on the plus strand (A>G on the coding strand, the complement: CACNA1S is on the minus strand). VCF-style: chr1-201083191-T-C. GRCh37 (hg19) VCF-style: chr1-201052319-T-C.
Other names: short protein forms N455S.
Identifiers: ClinVar variation 3071372 (VCV003071372.1), dbSNP rs773352819, ClinGen allele CA344125233.